The following is an entry in ClinVar:

NM_000051.4(ATM):c.7592T>C (p.Met2531Thr)

Genes: ATM (ATM serine/threonine kinase; plus strand), C11orf65 (chromosome 11 open reading frame 65; minus strand). Cytogenetic location: 11q22.3.
Variant type: single nucleotide variant.
Coding change: c.7592T>C on transcript NM_000051.4 (MANE Select); coding-DNA position 7592, T replaced by C.
Protein change: p.Met2531Thr; replaces methionine 2531 with threonine.
Molecular consequence: missense variant. On other transcripts: non-coding transcript variant (1), intron variant (2).
Genome position (GRCh38, 1-based): chr11:108,331,520, T>C. VCF-style: chr11-108331520-T-C. GRCh37 (hg19) VCF-style: chr11-108202247-T-C.
Other names: p.M2531T:ATG>ACG; p.Met2531Thr; c.7592T>C, p.Met2531Thr (NM_001351834.2); c.641-22449A>G (NM_001330368.2); c.*38+3700A>G (NM_001351110.2); short protein forms M2531T.
Identifiers: ClinVar variation 140910 (VCV000140910.48), dbSNP rs587781365, ClinGen allele CA293988.
Genomic context (GRCh38, chr11:108,331,520, plus strand): 5'-TTCCAACATATAAATTTTTGCCTCTTATGTACCAATTGGCTGCTAGAATGGGGACCAAGA[T>C]GATGGGAGGCCTAGGATTTCATGAAGTCCTCAATAATGTAAGTAAACCTGAAAATCAAAC-3'
Protein context (NP_000042.3, residues 2521-2541): YQLAARMGTK[Met2531Thr]MGGLGFHEVL

ClinVar aggregate classification (germline): Conflicting classifications of pathogenicity. Review status: criteria provided, conflicting classifications (1 of 4 stars). 14 submissions from 14 submitters: Uncertain significance (11); Likely benign (2). 1 of the submissions does not count toward it. Last evaluated 2026-01-31.

Conditions:
ATM-related disorder. Also called: ATM-related disorders; ATM-related condition.
Hereditary cancer-predisposing syndrome. Also called: Neoplastic Syndromes, Hereditary; Hereditary Cancer Syndrome; Tumor predisposition; Hereditary neoplastic syndrome. Identifiers: Orphanet 140162, MedGen C0027672, MeSH D009386, MONDO:0015356.
Familial cancer of breast. Also called: BREAST CANCER, FAMILIAL; hereditary breast carcinoma; Hereditary breast cancer. Identifiers: Orphanet 227535, MedGen C0346153, MONDO:0016419, OMIM 114480. Disease mechanism: loss of function.
Ataxia-telangiectasia syndrome (AT). Also called: Ataxia-telangiectasia, complementation group D; AT, COMPLEMENTATION GROUP C; Ataxia-telangiectasia; ATAXIA-TELANGIECTASIA, COMPLEMENTATION GROUP A; ATAXIA-TELANGIECTASIA, FRESNO VARIANT; Ataxia-telangiectasia, complementation group E. Identifiers: Orphanet 100, MedGen C0004135, MONDO:0008840, OMIM 208900.

Allele frequency attached by ClinVar (database versions not stated): gnomAD 0.00003 and 0.00004; gnomAD exomes 0.00004 and 0.00005; ExAC 0.00005; TOPMed 0.00005.
gnomAD v4.1: 79 of 1,613,264 alleles (0.0049%); highest among the groups gnomAD compares: Non-Finnish European, 0.0064%; no homozygotes.

Submissions 1 to 10 of 14:

Labcorp Genetics (formerly Invitae), Labcorp
Classification: Likely benign for Ataxia-telangiectasia syndrome. Last evaluated: 2026-01-31. Review status: criteria provided, single submitter. Criteria: Invitae Variant Classification Sherloc (09022015). Collection method: clinical testing. Allele origin: germline.

PreventionGenetics, part of Exact Sciences
Classification: Uncertain significance for ATM-related condition. Last evaluated: 2025-11-30. Review status: criteria provided, single submitter. Criteria: ACMG Guidelines, 2015. Collection method: clinical testing. Allele origin: germline.
Comment: The ATM c.7592T>C variant is predicted to result in the amino acid substitution p.Met2531Thr. This variant has been reported in an individual tested for Lynch syndrome (Table S2, Yurgelun et al. 2015. PubMed ID: 25980754), as a variant of uncertain significance in patients with breast cancer and pancreatic ductal adenocarcinoma (Table S2, Chaffee et al. 2018. PubMed ID: 28726808; Hauke et al. 2018. PubMed ID: 29522266; Table 1, Gervas et al. 2019. PubMed ID: 31273614), in control group in breast cancer study (Table S6, Akcay et al. 2020. PubMed ID: 32658311) and in patients with colorectal cancer and with ALL where pathogenic causative variants in other genes were detected (Pearlman et al. 2017. PubMed ID: 27978560; Hrabovsky et al. 2021. PubMed ID: 33750258). This variant is reported in 0.0093% of alleles in individuals of European (Non-Finnish) descent in gnomAD. This variant has conflicting interpretations in ClinVar including uncertain and likely benign (Variation ID: 140910). At this time, the clinical significance of this variant is uncertain due to the absence of conclusive functional and genetic evidence.

Quest Diagnostics Nichols Institute San Juan Capistrano
Classification: Uncertain significance. Last evaluated: 2025-11-07. Review status: criteria provided, single submitter. Criteria: Quest Diagnostics criteria. Collection method: clinical testing. Allele origin: unknown.

GeneDx
Classification: Uncertain significance. Last evaluated: 2025-03-10. Review status: criteria provided, single submitter. Criteria: GeneDx Variant Classification Process June 2021. Collection method: clinical testing. Allele origin: germline. Affected: yes.
Comment: Observed in individuals with breast, pancreatic and other cancers, but also in unaffected controls (PMID: 19781682, 25980754, 27978560, 28652578, 28726808, 29522266, 31273614, 32658311); Not observed at significant frequency in large population cohorts (gnomAD); In silico analysis indicates that this missense variant does not alter protein structure/function; This variant is associated with the following publications: (PMID: 25980754, 21787400, 19781682, 27978560, 28726808, 28652578, 29522266, 31273614, 32658311, 36577833, 33471991, 34326862, 33750258, 38612443, 23532176, 34262154, 35534704)

Ambry Genetics
Classification: Uncertain significance for Hereditary cancer-predisposing syndrome. Last evaluated: 2024-09-17. Review status: criteria provided, single submitter. Criteria: Ambry Variant Classification Scheme 2023. Collection method: clinical testing. Allele origin: germline.
Comment: The p.M2531T variant (also known as c.7592T>C), located in coding exon 50 of the ATM gene, results from a T to C substitution at nucleotide position 7592. The methionine at codon 2531 is replaced by threonine, an amino acid with similar properties. This amino acid position is well conserved in available vertebrate species. In addition, this alteration is predicted to be tolerated by in silico analysis. This alteration has been reported in 1/5589 German BRCA1/2-negative probands with breast cancer (Hauke J et al. Cancer Med, 2018 04;7:1349-1358) and in 1/ 26 indigenous Russian breast cancer patients (Gervas P et al. Mol. Biol. Rep., 2019 Oct;46:5537-5541). This alteration has been detected in 1/4112 breast cancer patients and 0/2399 healthy control individuals across numerous studies (Tavtigian S et al. Am. J. Hum. Genet. 2009 Oct;85:427-46). This variant was reported in 4/60,466 breast cancer cases and in 3/53,461 controls (Dorling et al. N Engl J Med. 2021 02;384:428-439). This amino acid position is well conserved in available vertebrate species. In addition, this alteration is predicted to be tolerated by in silico analysis. Based on the available evidence, the clinical significance of this variant remains unclear.

Mayo Clinic Laboratories, Mayo Clinic
Classification: Uncertain significance. Last evaluated: 2024-09-05. Review status: criteria provided, single submitter. Criteria: ACMG Guidelines, 2015. Collection method: clinical testing. Allele origin: germline. Observed: 5 variant alleles.
Comment: BP4

Color Diagnostics, LLC DBA Color Health
Classification: Uncertain significance for Hereditary cancer-predisposing syndrome. Last evaluated: 2023-12-05. Review status: criteria provided, single submitter. Criteria: ACMG Guidelines, 2015. Collection method: clinical testing. Allele origin: germline.
Comment: This missense variant replaces methionine with threonine at codon 2531 of the ATM protein. Computational prediction suggests that this variant may not impact protein structure and function (internally defined REVEL score threshold <= 0.5, PMID: 27666373). To our knowledge, functional studies have not been reported for this variant. This variant has been reported in individuals affected with breast cancer (PMID: 19781682, 20305132, 31273614) and pancreatic cancer (PMID: 28726808). This variant has also been reported with a co-occuring MLH1 germline mutation in an individual affected with Lynch syndrome-associated cancer and/or polyps (PMID: 25980754, 27978560). In a large case-control study, this variant was reported in 4/60462 breast cancer cases and 3/53458 controls (OR=1.179, 95%CI 0.264 to 5.268, p-value=1; PMID: 33471991). This variant has also been identified in 12/282448 chromosomes in the general population by the Genome Aggregation Database (gnomAD). The available evidence is insufficient to determine the role of this variant in disease conclusively. Therefore, this variant is classified as a Variant of Uncertain Significance.

Sema4
Classification: Uncertain significance for Hereditary cancer-predisposing syndrome. Last evaluated: 2022-03-03. Review status: criteria provided, single submitter. Criteria: Sema4 Curation Guidelines. Collection method: curation. Allele origin: germline.
Comment: The ATM c.7592T>C (p.M2531T) variant has been reported in heterozygosity in individuals with breast cancer, pancreatic cancer, colorectal cancer, or leukemia, and has also been reported in healthy controls (PMID: 19781682, 27978560, 25980754, 31273614, 29522266, 33471991, 28726808, 32658311, 33750258). This alteration co-occurred with an MLH1 pathogenic variant c.1279C>T (p.Q427X) in 2 individuals with colorectal cancer (PMID 27978560, 25980754). It was observed in 12/129062 chromosomes in the Non-Finnish European population in the large and broad cohorts of the Genome Aggregation Database (PMID 32461654). This variant has been reported in Clinvar (Variation ID 140910). Functional studies have not been performed, and in silico predictions of the variant's effect on protein function are inconclusive. The overall evidence is insufficient to meet ACMG/AMP criteria for classifying it as benign or pathogenic. Thus, the clinical significance of this variant is currently uncertain.

Athena Diagnostics
Classification: Uncertain significance. Last evaluated: 2021-11-24. Review status: criteria provided, single submitter. Criteria: Athena Diagnostics Criteria. Collection method: clinical testing. Allele origin: unknown.

Baylor Genetics
Classification: Uncertain significance for Familial cancer of breast. Last evaluated: 2021-07-26. Review status: criteria provided, single submitter. Criteria: ACMG Guidelines, 2015. Collection method: clinical testing. Allele origin: unknown.